The following is an entry in ClinVar:

ClinVar aggregate classification (germline): Uncertain significance (1 of 4 stars; one submission).

Conditions:
Tuberous sclerosis 2 (TSC2). Identifiers: Orphanet 805, MedGen C1860707, MONDO:0013199, OMIM 613254.

Submission:

Labcorp Genetics (formerly Invitae), Labcorp
Classification: Uncertain significance for Tuberous sclerosis 2. Last evaluated: 2019-12-05. Review status: criteria provided, single submitter. Criteria: Invitae Variant Classification Sherloc (09022015). Collection method: clinical testing. Allele origin: germline.
Comment: This variant, c.4217_4219del, results in the deletion of 1 amino acid(s) of the TSC2 protein (p.Asp1406del), but otherwise preserves the integrity of the reading frame. This variant is not present in population databases (ExAC no frequency). This variant has not been reported in the literature in individuals with TSC2-related conditions. Experimental studies and prediction algorithms are not available or were not evaluated, and the functional significance of this variant is currently unknown. In summary, the available evidence is currently insufficient to determine the role of this variant in disease. Therefore, it has been classified as a Variant of Uncertain Significance.

NM_000548.5(TSC2):c.4217_4219del (p.Asp1406del)

Gene: TSC2 (TSC complex subunit 2; plus strand). Cytogenetic location: 16p13.3.
Variant type: Deletion.
Coding change: c.4217_4219del on transcript NM_000548.5 (MANE Select); coding-DNA positions 4217 to 4219, 3 bases deleted (ACG; older notation c.4217_4219delACG).
Protein change: p.Asp1406del; deletes aspartic acid 1406.
Molecular consequence: inframe deletion.
Genome position (GRCh38, 1-based): chr16:2,084,439-2,084,441, ACG deleted; deleting any 3 consecutive bases within chr16:2,084,437-2,084,441 gives the same sequence; the c. name uses the placement nearest the transcript's 3' end. VCF-style (leftmost placement, unchanged base first): chr16-2084436-CCGA-C. GRCh37 (hg19) VCF-style: chr16-2134437-CCGA-C.
Other names: c.4016_4018del, p.Asp1339del (NM_001077183.3); c.4148_4150del, p.Asp1383del (NM_001114382.3); c.3908_3910del, p.Asp1303del (NM_001318827.2); c.3872_3874del, p.Asp1291del (NM_001318829.2); c.3485_3487del, p.Asp1162del (NM_001318831.2); c.4049_4051del, p.Asp1350del (NM_001318832.2); c.4019_4021del, p.Asp1340del (NM_001363528.2); c.4085_4087del, p.Asp1362del (NM_001370404.1); and 1 more; short protein forms D1303del, D1162del, D1291del, D1363del, D1383del, D1350del, D1406del, D1339del.
Identifiers: ClinVar variation 841506 (VCV000841506.9), dbSNP rs2090507183, ClinGen allele CA916081769.